The following is an entry in ClinVar:

NC_000023.11:g.(?_32626362)_(32849830_?)del

Gene: DMD (dystrophin; minus strand). Cytogenetic location: Xp21.1.
Variant type: Deletion.
Identifiers: ClinVar variation 831116 (VCV000831116.1).

ClinVar aggregate classification (germline): Pathogenic (1 of 4 stars; one submission).

Conditions:
Duchenne muscular dystrophy (DMD). Also called: Duchenne Muscular Dystrophy (DMD); MUSCULAR DYSTROPHY, PSEUDOHYPERTROPHIC PROGRESSIVE, DUCHENNE TYPE. Identifiers: Orphanet 98896, MedGen C0013264, MONDO:0010679, OMIM 310200.

Submission:

Labcorp Genetics (formerly Invitae), Labcorp
Classification: Pathogenic for Duchenne muscular dystrophy. Last evaluated: 2019-04-08. Review status: criteria provided, single submitter. Criteria: Invitae Variant Classification Sherloc (09022015). Collection method: clinical testing. Allele origin: germline.
Comment: This variant is a gross deletion of the genomic region encompassing exons 3-11 of the DMD gene. This out-of-frame deletion creates a premature translational stop signal and is expected to result in an absent or disrupted protein product. Truncating variants in DMD are known to be pathogenic. A deletion encompassing the same exons has been reported in the literature in an individual affected with Becker muscular dystrophy (PMID: 18348289) and an individual affected with a phenotype intermediate between Duchenne and Becker muscular dystrophy (PMID: 25482253). For these reasons, this variant has been classified as Pathogenic.

Literature cited by the submitters: PubMed 25482253; PubMed 18348289.